The following is an entry in ClinVar:

NM_001386298.1(CIC):c.5421del (p.Ala1809fs)

Gene: CIC (capicua transcriptional repressor; plus strand). Cytogenetic location: 19q13.2.
Variant type: Deletion.
Coding change: c.5421del on transcript NM_001386298.1 (MANE Select); coding-DNA position 5421, one base deleted (C; older notation c.5421delC).
Protein change: p.Ala1809fs; shifts the reading frame from alanine 1809.
Molecular consequence: frameshift variant.
Genome position (GRCh38, 1-based): chr19:42,291,462, C deleted; the last of 6 consecutive C bases (chr19:42,291,457-42,291,462); deleting any one gives the same sequence. VCF-style (leftmost placement, unchanged base first): chr19-42291456-AC-A. GRCh37 (hg19) VCF-style: chr19-42795608-AC-A.
Other names: c.5421del, p.Ala1809fs (NM_001304815.2, NM_001379480.1, NM_001379482.1); c.5421delC, p.Ala1809Profs (NM_001379483.1); c.2694del, p.Ala900fs (NM_001379484.1, NM_001379485.1, NM_015125.5); short protein forms A1809fs, A900fs.
Identifiers: ClinVar variation 2502532 (VCV002502532.2), dbSNP rs1555770200, ClinGen allele CA2580614913.

ClinVar aggregate classification (germline): Pathogenic (1 of 4 stars; one submission).

Submission:

GeneDx
Classification: Pathogenic. Last evaluated: 2025-12-16. Review status: criteria provided, single submitter. Criteria: GeneDx Variant Classification Process June 2021. Collection method: clinical testing. Allele origin: germline.
Comment: Frameshift variant predicted to result in protein truncation or nonsense mediated decay in a gene for which loss of function is a known mechanism of disease; Not observed at significant frequency in large population cohorts (gnomAD); Has not been previously published as pathogenic or benign to our knowledge